The following is an entry in ClinVar:

NM_194285.3(SPTY2D1):c.301A>G (p.Ile101Val)

Genes: SPTY2D1 (SPT2 chromatin protein domain containing 1; minus strand), LOC126861153 (CDK7 strongly-dependent group 2 enhancer GRCh37_chr11:18637160-18638359; plus strand). Cytogenetic location: 11p15.1.
Variant type: single nucleotide variant.
Coding change: c.301A>G on transcript NM_194285.3 (MANE Select); coding-DNA position 301, A replaced by G.
Protein change: p.Ile101Val; replaces isoleucine 101 with valine.
Molecular consequence: missense variant.
Genome position (GRCh38, 1-based): chr11:18,615,973, T>C on the plus strand (A>G on the coding strand, the complement: SPTY2D1 is on the minus strand). VCF-style: chr11-18615973-T-C. GRCh37 (hg19) VCF-style: chr11-18637520-T-C.
Other names: short protein forms I101V.
Identifiers: ClinVar variation 2641664 (VCV002641664.24), dbSNP rs117446236, ClinGen allele CA5913366.

ClinVar aggregate classification (germline): Likely benign (1 of 4 stars; one submission).

Allele frequency attached by ClinVar (database versions not stated): 1000 Genomes Project 0.00140; 1000 Genomes Project 30x 0.00141; gnomAD 0.00369; ExAC 0.00375; TOPMed 0.00390; gnomAD exomes 0.00463; ESP Exome Variant Server 0.00555.
gnomAD v4.1: 7,263 of 1,614,252 alleles (0.45%); highest among the groups gnomAD compares: Non-Finnish European, 0.53%; 20 homozygotes.

Submission:

CeGaT Center for Human Genetics Tuebingen
Classification: Likely benign. Last evaluated: 2023-02-01. Review status: criteria provided, single submitter. Criteria: CeGaT Center For Human Genetics Tuebingen Variant Classification Criteria Version 2. Collection method: clinical testing. Allele origin: germline. Affected: yes. Observed: 1 variant allele.
Comment: SPTY2D1: BP4, BS2